The following is an entry in ClinVar:

ClinVar aggregate classification (germline): Likely benign. Review status: criteria provided, multiple submitters, no conflicts (2 of 4 stars). 2 submissions from 2 submitters: Likely benign (2). Last evaluated 2024-10-23.

Conditions:
Birt-Hogg-Dube syndrome 1 (BHD1). Also called: FIBROFOLLICULOMAS WITH TRICHODISCOMAS AND ACROCHORDONS. Identifiers: Orphanet 122, MedGen CN375946, MONDO:0800445, OMIM 135150.
Birt-Hogg-Dube syndrome. Also called: Birt Hogg Dubé syndrome. Identifiers: Orphanet 122, MedGen C0346010, MONDO:0800444.

Submissions (2):

Myriad Genetics, Inc.
Classification: Likely benign for Birt-Hogg-Dube syndrome 1. Last evaluated: 2024-10-23. Review status: criteria provided, single submitter. Criteria: Myriad Autosomal Dominant, Autosomal Recessive and X-Linked Classification Criteria (2023). Collection method: clinical testing. Allele origin: unknown.
Comment: This variant is considered likely benign. This variant is intronic and is not expected to impact mRNA splicing.

Labcorp Genetics (formerly Invitae), Labcorp
Classification: Likely benign for Birt-Hogg-Dube syndrome. Last evaluated: 2024-02-17. Review status: criteria provided, single submitter. Criteria: Invitae Variant Classification Sherloc (09022015). Collection method: clinical testing. Allele origin: germline.

NM_144997.7(FLCN):c.780-14G>A

Gene: FLCN (folliculin; minus strand). Cytogenetic location: 17p11.2.
Variant type: single nucleotide variant.
Coding change: c.780-14G>A on transcript NM_144997.7 (MANE Select); 14 bases into the intron before coding-DNA position 780, G replaced by A.
Molecular consequence: intron variant.
Genome position (GRCh38, 1-based): chr17:17,221,642, C>T on the plus strand (G>A on the coding strand, the complement: FLCN is on the minus strand). VCF-style: chr17-17221642-C-T. GRCh37 (hg19) VCF-style: chr17-17124956-C-T.
Other names: c.780-14G>A (NM_001353231.2, NM_001353230.2, NM_144606.7); c.834-14G>A (NM_001353229.2).
Identifiers: ClinVar variation 1557284 (VCV001557284.9), dbSNP rs749287616, ClinGen allele CA288314627.